The following is an entry in ClinVar:

NM_012463.4(ATP6V0A2):c.313G>A (p.Glu105Lys)

Gene: ATP6V0A2 (ATPase H+ transporting V0 subunit a2; plus strand). Cytogenetic location: 12q24.31.
Variant type: single nucleotide variant.
Coding change: c.313G>A on transcript NM_012463.4 (MANE Select); coding-DNA position 313, G replaced by A.
Protein change: p.Glu105Lys; replaces glutamic acid 105 with lysine.
Molecular consequence: missense variant.
Genome position (GRCh38, 1-based): chr12:123,724,672, G>A. VCF-style: chr12-123724672-G-A. GRCh37 (hg19) VCF-style: chr12-124209219-G-A.
Other names: c.313G>A (NM_012463.3); short protein forms E105K.
Identifiers: ClinVar variation 3251277 (VCV003251277.4), dbSNP rs769927427.
Genomic context (GRCh38, chr12:123,724,672, plus strand): 5'-AACTAATTACTACCCTCTTAAGTAACCATTGTTTTGTTTTAGGAGCAGTTGCAGAAGCTC[G>A]AGGTTGAACTGAGAGAAGTCACTAAGAACAAGGAGAAACTGAGGAAAAACTTGCTGGAAC-3'
Protein context (NP_036595.2, residues 95-115): LEMQEQLQKL[Glu105Lys]VELREVTKNK

ClinVar aggregate classification (germline): Uncertain significance. Review status: criteria provided, multiple submitters, no conflicts (2 of 4 stars). 4 submissions from 4 submitters: Uncertain significance (4). Last evaluated 2024-11-14.

Conditions:
Inborn genetic diseases. Identifiers: MedGen C0950123, MeSH D030342.

Allele frequency attached by ClinVar (database versions not stated): gnomAD exomes 0.00001; ExAC 0.00002; TOPMed 0.00003; gnomAD 0.00005.
gnomAD v4.1: 30 of 1,613,850 alleles (0.0019%); highest among the groups gnomAD compares: African/African-American, 0.0053%; no homozygotes.

Submissions (4):

GeneDx
Classification: Uncertain significance. Last evaluated: 2024-11-14. Review status: criteria provided, single submitter. Criteria: GeneDx Variant Classification Process June 2021. Collection method: clinical testing. Allele origin: germline. Affected: yes.
Comment: Not observed at significant frequency in large population cohorts (gnomAD); In silico analysis supports that this missense variant has a deleterious effect on protein structure/function; Has not been previously published as pathogenic or benign to our knowledge

Ambry Genetics
Classification: Uncertain significance for Inborn genetic diseases. Last evaluated: 2024-04-23. Review status: criteria provided, single submitter. Criteria: Ambry Variant Classification Scheme 2023. Collection method: clinical testing. Allele origin: germline.

Women's Health and Genetics/Laboratory Corporation of America, LabCorp
Classification: Uncertain significance. Last evaluated: 2024-04-15. Review status: criteria provided, single submitter. Criteria: LabCorp Variant Classification Summary - May 2015. Collection method: clinical testing. Allele origin: germline.
Comment: Variant summary: ATP6V0A2 c.313G>A (p.Glu105Lys) results in a conservative amino acid change in the encoded protein sequence. Four of five in-silico tools predict a damaging effect of the variant on protein function. The variant allele was found at a frequency of 2.4e-05 in 251452 control chromosomes. The available data on variant occurrences in the general population are insufficient to allow any conclusion about variant significance. To our knowledge, no occurrence of c.313G>A in individuals affected with Cutis Laxa - ATP6V0A2 Related and no experimental evidence demonstrating its impact on protein function have been reported. No submitters have cited clinical-significance assessments for this variant to ClinVar. Based on the evidence outlined above, the variant was classified as uncertain significance.

Blueprint Genetics
Classification: Uncertain significance. Last evaluated: 2022-03-07. Review status: criteria provided, single submitter. Criteria: ACMG Guidelines, 2015. Collection method: clinical testing. Allele origin: germline.